The following is an entry in ClinVar:

ClinVar aggregate classification (germline): Conflicting classifications of pathogenicity. Review status: criteria provided, conflicting classifications (1 of 4 stars). 2 submissions from 2 submitters: Uncertain significance (1); Likely benign (1). Last evaluated 2022-09-26.

Conditions:
Renal cell carcinoma. Identifiers: Orphanet 217071, MedGen C0007134, MeSH D002292, MONDO:0005086, HP:0005584.
Hereditary cancer-predisposing syndrome. Also called: Hereditary Cancer Syndrome; Hereditary neoplastic syndrome; Neoplastic Syndromes, Hereditary; Tumor predisposition. Identifiers: Orphanet 140162, MedGen C0027672, MeSH D009386, MONDO:0015356.

Submissions (2):

Labcorp Genetics (formerly Invitae), Labcorp
Classification: Uncertain significance for Renal cell carcinoma. Last evaluated: 2022-09-26. Review status: criteria provided, single submitter. Criteria: Invitae Variant Classification Sherloc (09022015). Collection method: clinical testing. Allele origin: germline.
Comment: This variant has not been reported in the literature in individuals affected with MET-related conditions. This sequence change replaces alanine, which is neutral and non-polar, with valine, which is neutral and non-polar, at codon 31 of the MET protein (p.Ala31Val). This variant is not present in population databases (gnomAD no frequency). Advanced modeling of protein sequence and biophysical properties (such as structural, functional, and spatial information, amino acid conservation, physicochemical variation, residue mobility, and thermodynamic stability) performed at Invitae indicates that this missense variant is not expected to disrupt MET protein function. In summary, the available evidence is currently insufficient to determine the role of this variant in disease. Therefore, it has been classified as a Variant of Uncertain Significance.

Ambry Genetics
Classification: Likely benign for Hereditary cancer-predisposing syndrome. Last evaluated: 2022-01-30. Review status: criteria provided, single submitter. Criteria: Ambry Variant Classification Scheme 2023. Collection method: clinical testing. Allele origin: germline.

NM_000245.4(MET):c.92C>T (p.Ala31Val)

Gene: MET (MET proto-oncogene, receptor tyrosine kinase; plus strand). Cytogenetic location: 7q31.2.
Variant type: single nucleotide variant.
Coding change: c.92C>T on transcript NM_000245.4 (MANE Select); coding-DNA position 92, C replaced by T.
Protein change: p.Ala31Val; replaces alanine 31 with valine.
Molecular consequence: missense variant. On other transcripts: intron variant (1).
Genome position (GRCh38, 1-based): chr7:116,699,176, C>T. VCF-style: chr7-116699176-C-T. GRCh37 (hg19) VCF-style: chr7-116339230-C-T.
Other names: c.92C>T, p.Ala31Val (NM_001127500.3, NM_001324401.3); c.-91+26599C>T (NM_001324402.2); short protein forms A31V.
Identifiers: ClinVar variation 1766491 (VCV001766491.7), dbSNP rs2485505163, ClinGen allele CA368968323.
Genomic context (GRCh38, chr7:116,699,176, plus strand): 5'-TCCTCGTGCTCCTGTTTACCTTGGTGCAGAGGAGCAATGGGGAGTGTAAAGAGGCACTAG[C>T]AAAGTCCGAGATGAATGTGAATATGAAGTATCAGCTTCCCAACTTCACCGCGGAAACACC-3'
Protein context (NP_000236.2, residues 21-41): RSNGECKEAL[Ala31Val]KSEMNVNMKY